The following is an entry in ClinVar:

ClinVar aggregate classification (germline): Uncertain significance (1 of 4 stars; one submission).

Conditions:
Spastic paraplegia. Identifiers: MedGen C0037772, HP:0001258.

gnomAD v4.1: 2 of 1,211,618 alleles (0.00017%); highest among the groups gnomAD compares: Non-Finnish European, 0.00011%; no homozygotes.

Submission:

Labcorp Genetics (formerly Invitae), Labcorp
Classification: Uncertain significance for Spastic paraplegia. Last evaluated: 2022-02-24. Review status: criteria provided, single submitter. Criteria: Invitae Variant Classification Sherloc (09022015). Collection method: clinical testing. Allele origin: germline.
Comment: This sequence change replaces arginine, which is basic and polar, with proline, which is neutral and non-polar, at codon 297 of the SLC16A2 protein (p.Arg297Pro). This variant is not present in population databases (gnomAD no frequency). This variant has not been reported in the literature in individuals affected with SLC16A2-related conditions. Advanced modeling of protein sequence and biophysical properties (such as structural, functional, and spatial information, amino acid conservation, physicochemical variation, residue mobility, and thermodynamic stability) performed at Invitae indicates that this missense variant is not expected to disrupt SLC16A2 protein function. In summary, the available evidence is currently insufficient to determine the role of this variant in disease. Therefore, it has been classified as a Variant of Uncertain Significance.

NM_006517.5(SLC16A2):c.890G>C (p.Arg297Pro)

Gene: SLC16A2 (solute carrier family 16 member 2; plus strand). Cytogenetic location: Xq13.2.
Variant type: single nucleotide variant.
Coding change: c.890G>C on transcript NM_006517.5 (MANE Select); coding-DNA position 890, G replaced by C.
Protein change: p.Arg297Pro; replaces arginine 297 with proline.
Molecular consequence: missense variant.
Genome position (GRCh38, 1-based): chrX:74,524,673, G>C. VCF-style: chrX-74524673-G-C. GRCh37 (hg19) VCF-style: chrX-73744508-G-C.
Other names: short protein forms R297P.
Identifiers: ClinVar variation 1514289 (VCV001514289.3), dbSNP rs780086745, ClinGen allele CA413657509.